The following is an entry in ClinVar:

NM_181507.2(HPS5):c.3118A>C (p.Ser1040Arg)

Gene: HPS5 (HPS5 biogenesis of lysosomal organelles complex 2 subunit 2; minus strand). Cytogenetic location: 11p15.1.
Variant type: single nucleotide variant.
Coding change: c.3118A>C on transcript NM_181507.2 (MANE Select); coding-DNA position 3118, A replaced by C.
Protein change: p.Ser1040Arg; replaces serine 1040 with arginine.
Molecular consequence: missense variant.
Genome position (GRCh38, 1-based): chr11:18,282,161, T>G on the plus strand (A>C on the coding strand, the complement: HPS5 is on the minus strand). VCF-style: chr11-18282161-T-G. GRCh37 (hg19) VCF-style: chr11-18303708-T-G.
Other names: c.2776A>C, p.Ser926Arg (NM_007216.4, NM_181508.2); short protein forms S1040R, S926R.
Identifiers: ClinVar variation 2414454 (VCV002414454.5), dbSNP rs760989387, ClinGen allele CA5909636.

ClinVar aggregate classification (germline): Uncertain significance (1 of 4 stars; one submission).

Allele frequency attached by ClinVar (database versions not stated): ExAC 0.00001.
gnomAD v4.1: 5 of 1,614,192 alleles (0.00031%); highest among the groups gnomAD compares: Middle Eastern, 0.066%; no homozygotes.

Submission:

Labcorp Genetics (formerly Invitae), Labcorp
Classification: Uncertain significance. Last evaluated: 2024-10-16. Review status: criteria provided, single submitter. Criteria: Invitae Variant Classification Sherloc (09022015). Collection method: clinical testing. Allele origin: germline.
Comment: This sequence change replaces serine, which is neutral and polar, with arginine, which is basic and polar, at codon 1040 of the HPS5 protein (p.Ser1040Arg). This variant is present in population databases (rs760989387, gnomAD 0.0009%). This variant has not been reported in the literature in individuals affected with HPS5-related conditions. ClinVar contains an entry for this variant (Variation ID: 2414454). An algorithm developed to predict the effect of missense changes on protein structure and function outputs the following: PolyPhen-2: "Benign". The arginine amino acid residue is found in multiple mammalian species, which suggests that this missense change does not adversely affect protein function. In summary, the available evidence is currently insufficient to determine the role of this variant in disease. Therefore, it has been classified as a Variant of Uncertain Significance.